The following is an entry in ClinVar:

ClinVar aggregate classification (germline): Uncertain significance (1 of 4 stars; one submission).

Conditions:
Tay-Sachs disease (TSD). Also called: HEXA DEFICIENCY; GM2 gangliosidosis, type 1; Hexosaminidase alpha-subunit deficiency (variant B); Sphingolipidosis, Tay-Sachs; Hexosaminidase A Deficiency; HEXA Disorders. Identifiers: Orphanet 845, MedGen C0039373, MONDO:0010100, OMIM 272800.

Allele frequency attached by ClinVar (database versions not stated): TOPMed 0.00001; gnomAD 0.00002; gnomAD exomes 0.00001.
gnomAD v4.1: 21 of 1,613,928 alleles (0.0013%); highest among the groups gnomAD compares: African/African-American, 0.0027%; no homozygotes.

Submission:

Labcorp Genetics (formerly Invitae), Labcorp
Classification: Uncertain significance for Tay-Sachs disease. Last evaluated: 2022-05-17. Review status: criteria provided, single submitter. Criteria: Invitae Variant Classification Sherloc (09022015). Collection method: clinical testing. Allele origin: germline.
Comment: This sequence change replaces tyrosine, which is neutral and polar, with cysteine, which is neutral and slightly polar, at codon 316 of the HEXA protein (p.Tyr316Cys). This variant is present in population databases (no rsID available, gnomAD 0.01%). This variant has not been reported in the literature in individuals affected with HEXA-related conditions. Algorithms developed to predict the effect of missense changes on protein structure and function are either unavailable or do not agree on the potential impact of this missense change (SIFT: "Deleterious"; PolyPhen-2: "Probably Damaging"; Align-GVGD: "Class C0"). In summary, the available evidence is currently insufficient to determine the role of this variant in disease. Therefore, it has been classified as a Variant of Uncertain Significance.

NM_000520.6(HEXA):c.947A>G (p.Tyr316Cys)

Gene: HEXA (hexosaminidase subunit alpha; minus strand). Cytogenetic location: 15q23.
Variant type: single nucleotide variant.
Coding change: c.947A>G on transcript NM_000520.6 (MANE Select); coding-DNA position 947, A replaced by G.
Protein change: p.Tyr316Cys; replaces tyrosine 316 with cysteine.
Molecular consequence: missense variant. On other transcripts: non-coding transcript variant (1).
Genome position (GRCh38, 1-based): chr15:72,349,118, T>C on the plus strand (A>G on the coding strand, the complement: HEXA is on the minus strand). VCF-style: chr15-72349118-T-C. GRCh37 (hg19) VCF-style: chr15-72641459-T-C.
Other names: c.980A>G, p.Tyr327Cys (NM_001318825.2); short protein forms Y316C, Y327C.
Identifiers: ClinVar variation 2045575 (VCV002045575.1), dbSNP rs1222599742, ClinGen allele CA393062246.